The following is an entry in ClinVar:

NM_001365951.3(KIF1B):c.*4041C>G

Gene: KIF1B (kinesin family member 1B; plus strand). Cytogenetic location: 1p36.22.
Variant type: single nucleotide variant.
Coding change: c.*4041C>G on transcript NM_001365951.3 (MANE Select); 4041 bases downstream of the stop codon, C replaced by G.
Molecular consequence: 3 prime UTR variant.
Genome position (GRCh38, 1-based): chr1:10,380,628, C>G. VCF-style: chr1-10380628-C-G. GRCh37 (hg19) VCF-style: chr1-10440686-C-G.
Other names: c.*4041C>G (NM_001365952.1, NM_015074.3).
Identifiers: ClinVar variation 875368 (VCV000875368.4), dbSNP rs539967376, ClinGen allele CA17860268.
Genomic context (GRCh38, chr1:10,380,628, plus strand): 5'-TGGTGGCGTGTGCCTGTAGTCCCAGCTACTTGGGAGGCTGAGGCAGGAGAATAGCTTGAA[C>G]CTGGGAGGTGGAGGCTGCAGTGAGTTGAGACTGCACCATTGCACTCCAGCCTGGGTGACA-3'

ClinVar aggregate classification (germline): Likely benign (1 of 4 stars; one submission).

Conditions:
Neuroblastoma (NB). Identifiers: Orphanet 635, MedGen C0027819, MeSH D009447, MONDO:0005072, HP:0003006.

Allele frequency attached by ClinVar (database versions not stated): TOPMed 0.00005; gnomAD 0.00006 and 0.00012; gnomAD exomes 0.00009; 1000 Genomes Project 0.00040; 1000 Genomes Project 30x 0.00047.
gnomAD v4.1: 21 of 190,184 alleles (0.011%); highest among the groups gnomAD compares: Middle Eastern, 0.37%; no homozygotes.

Submission:

Illumina Laboratory Services, Illumina
Classification: Likely benign for Neuroblastoma. Last evaluated: 2018-01-13. Review status: criteria provided, single submitter. Criteria: ICSL Variant Classification Criteria 13 December 2019. Collection method: clinical testing. Allele origin: germline.
Comment: This variant was observed in the ICSL laboratory as part of a predisposition screen in an ostensibly healthy population. It had not been previously curated by ICSL or reported in the Human Gene Mutation Database (HGMD: prior to June 1st, 2018), and was therefore a candidate for classification through an automated scoring system. Utilizing variant allele frequency, disease prevalence and penetrance estimates, and inheritance mode, an automated score was calculated to assess if this variant is too frequent to cause the disease. Based on the score and internal cut-off values, a variant classified as likely benign is not then subjected to further curation. The score for this variant resulted in a classification of likely benign for this disease.